The following is an entry in ClinVar:

ClinVar aggregate classification (germline): Uncertain significance (1 of 4 stars; one submission).

Submission:

Ambry Genetics
Classification: Uncertain significance. Last evaluated: 2023-09-04. Review status: criteria provided, single submitter. Criteria: Ambry Variant Classification Scheme 2023. Collection method: clinical testing. Allele origin: germline.
Comment: The p.E1921Q variant (also known as c.5761G>C), located in coding exon 8 of the ALPK2 gene, results from a G to C substitution at nucleotide position 5761. The glutamic acid at codon 1921 is replaced by glutamine, an amino acid with highly similar properties. This amino acid position is conserved. In addition, this alteration is predicted to be tolerated by in silico analysis. Since supporting evidence is limited at this time, the clinical significance of this alteration remains unclear.

NM_052947.4(ALPK2):c.5761G>C (p.Glu1921Gln)

Gene: ALPK2 (alpha kinase 2; minus strand). Cytogenetic location: 18q21.31.
Variant type: single nucleotide variant.
Coding change: c.5761G>C on transcript NM_052947.4 (MANE Select); coding-DNA position 5761, G replaced by C.
Protein change: p.Glu1921Gln; replaces glutamic acid 1921 with glutamine.
Molecular consequence: missense variant.
Genome position (GRCh38, 1-based): chr18:58,517,087, C>G on the plus strand (G>C on the coding strand, the complement: ALPK2 is on the minus strand). VCF-style: chr18-58517087-C-G. GRCh37 (hg19) VCF-style: chr18-56184319-C-G.
Other names: short protein forms E1921Q.
Identifiers: ClinVar variation 1749492 (VCV001749492.3), dbSNP rs151328897, ClinGen allele CA402548930.
Genomic context (GRCh38, chr18:58,517,087, plus strand): 5'-CGTGCATCACTGTGCTGCGGAAGGCTTTGCGGTGAACCCCTTCTCCAAAGTGCAGCTCCT[C>G]CGTGGCGATCTGACCACGCAGGCGGCCCCCAAAGTAGCTGTCATGGAGGAAGTCTTCTTT-3'
Protein context (NP_443179.3, residues 1911-1931): GGRLRGQIAT[Glu1921Gln]ELHFGEGVHR